The following is an entry in ClinVar:

NM_024496.4(IRF2BPL):c.354G>A (p.Gln118=)

Gene: IRF2BPL (interferon regulatory factor 2 binding protein like; minus strand). Cytogenetic location: 14q24.3.
Variant type: single nucleotide variant.
Coding change: c.354G>A on transcript NM_024496.4 (MANE Select); coding-DNA position 354, G replaced by A.
Protein change: p.Gln118=; no amino-acid change (glutamine 118 retained).
Molecular consequence: synonymous variant.
Genome position (GRCh38, 1-based): chr14:77,027,439, C>T on the plus strand (G>A on the coding strand, the complement: IRF2BPL is on the minus strand). VCF-style: chr14-77027439-C-T. GRCh37 (hg19) VCF-style: chr14-77493782-C-T.
Other names: p.Gln118=.
Identifiers: ClinVar variation 2644415 (VCV002644415.26), dbSNP rs766538756, ClinGen allele CA7283995.

ClinVar aggregate classification (germline): Likely benign. Review status: criteria provided, multiple submitters, no conflicts (2 of 4 stars). 3 submissions from 3 submitters: Likely benign (3). Last evaluated 2025-02-18.

Allele frequency attached by ClinVar (database versions not stated): gnomAD 0.00014; ExAC 0.00042.

Submissions (3):

Mayo Clinic Laboratories, Mayo Clinic
Classification: Likely benign. Last evaluated: 2025-02-18. Review status: criteria provided, single submitter. Criteria: ACMG Guidelines, 2015. Collection method: clinical testing. Allele origin: germline. Observed: 1 variant allele.
Comment: BP4, BP7

Blueprint Genetics
Classification: Likely benign. Last evaluated: 2024-10-02. Review status: criteria provided, single submitter. Criteria: ACMG Guidelines, 2015. Collection method: clinical testing. Allele origin: germline.

CeGaT Center for Human Genetics Tuebingen
Classification: Likely benign. Last evaluated: 2024-01-01. Review status: criteria provided, single submitter. Criteria: CeGaT Center For Human Genetics Tuebingen Variant Classification Criteria Version 2. Collection method: clinical testing. Allele origin: germline. Affected: yes. Observed: 2 variant alleles.
Comment: IRF2BPL: BP4, BP7